The following is an entry in ClinVar:

ClinVar aggregate classification (germline): Uncertain significance (1 of 4 stars; one submission).

Submission:

Labcorp Genetics (formerly Invitae), Labcorp
Classification: Uncertain significance. Last evaluated: 2025-10-26. Review status: criteria provided, single submitter. Criteria: Invitae Variant Classification Sherloc (09022015). Collection method: clinical testing. Allele origin: germline.
Comment: This sequence change replaces arginine, which is basic and polar, with tryptophan, which is neutral and slightly polar, at codon 542 of the ACAN protein (p.Arg542Trp). Information on the frequency of this variant in the gnomAD database is not available, as this variant may be reported differently in the database. This variant has not been reported in the literature in individuals affected with ACAN-related conditions. ClinVar contains an entry for this variant (Variation ID: 1408638). Experimental studies and prediction algorithms are not available or were not evaluated, and the functional significance of this variant is currently unknown. In summary, the available evidence is currently insufficient to determine the role of this variant in disease. Therefore, it has been classified as a Variant of Uncertain Significance.

NM_001369268.1(ACAN):c.1623_1624delinsAT (p.Arg542Trp)

Gene: ACAN (aggrecan; plus strand). Cytogenetic location: 15q26.1.
Variant type: Indel.
Coding change: c.1623_1624delinsAT on transcript NM_001369268.1 (MANE Select); coding-DNA positions 1623 to 1624, CC replaced by AT.
Protein change: p.Arg542Trp; replaces arginine 542 with tryptophan.
Molecular consequence: missense variant.
Genome position (GRCh38, 1-based): chr15:88,847,929-88,847,930, CC replaced by AT. VCF-style: chr15-88847929-CC-AT. GRCh37 (hg19) VCF-style: chr15-89391160-CC-AT.
Other names: c.1623_1624delinsAT, p.Arg542Trp (NM_001135.4, NM_013227.4); short protein forms R542W.
Identifiers: ClinVar variation 1408638 (VCV001408638.7), dbSNP rs2141587357, ClinGen allele CA2573151315.